The following is an entry in ClinVar:

ClinVar aggregate classification (germline): Conflicting classifications of pathogenicity. Review status: criteria provided, conflicting classifications (1 of 4 stars). 3 submissions from 3 submitters: Likely pathogenic (1); Uncertain significance (2). Last evaluated 2024-10-10.

Conditions:
Developmental and epileptic encephalopathy, 32 (DEE32). Also called: Epileptic encephalopathy, early infantile, 32. Identifiers: Orphanet 442835, MedGen C4225350, MONDO:0014607, OMIM 616366.

Submissions (3):

Blueprint Genetics
Classification: Uncertain significance. Last evaluated: 2024-10-10. Review status: criteria provided, single submitter. Criteria: ACMG Guidelines, 2015. Collection method: clinical testing. Allele origin: germline.

CeGaT Center for Human Genetics Tuebingen
Classification: Likely pathogenic. Last evaluated: 2020-01-01. Review status: criteria provided, single submitter. Criteria: CeGaT Center For Human Genetics Tuebingen Variant Classification Criteria Version 2. Collection method: clinical testing. Allele origin: germline. Affected: yes. Observed: 3 variant alleles.

Labcorp Genetics (formerly Invitae), Labcorp
Classification: Uncertain significance for Epileptic encephalopathy, early infantile, 32. Last evaluated: 2019-08-21. Review status: criteria provided, single submitter. Criteria: Invitae Variant Classification Sherloc (09022015). Collection method: clinical testing. Allele origin: germline.
Comment: This sequence change replaces alanine with valine at codon 403 of the KCNA2 protein (p.Ala403Val). The alanine residue is highly conserved and there is a small physicochemical difference between alanine and valine. This variant is not present in population databases (ExAC no frequency). This variant has not been reported in the literature in individuals with KCNA2-related conditions. Algorithms developed to predict the effect of missense changes on protein structure and function (SIFT, PolyPhen-2, Align-GVGD) all suggest that this variant is likely to be disruptive, but these predictions have not been confirmed by published functional studies and their clinical significance is uncertain. In summary, the available evidence is currently insufficient to determine the role of this variant in disease. Therefore, it has been classified as a Variant of Uncertain Significance.

NM_004974.4(KCNA2):c.1208C>T (p.Ala403Val)

Gene: KCNA2 (potassium voltage-gated channel subfamily A member 2; minus strand). Cytogenetic location: 1p13.3.
Variant type: single nucleotide variant.
Coding change: c.1208C>T on transcript NM_004974.4 (MANE Select); coding-DNA position 1208, C replaced by T.
Protein change: p.Ala403Val; replaces alanine 403 with valine.
Molecular consequence: missense variant. On other transcripts: intron variant (1).
Genome position (GRCh38, 1-based): chr1:110,603,575, G>A on the plus strand (C>T on the coding strand, the complement: KCNA2 is on the minus strand). VCF-style: chr1-110603575-G-A. GRCh37 (hg19) VCF-style: chr1-111146197-G-A.
Other names: c.894+314C>T (NM_001204269.2); short protein forms A403V.
Identifiers: ClinVar variation 871870 (VCV000871870.42), dbSNP rs1649457143, ClinGen allele CA341601323.